The following is an entry in ClinVar:

ClinVar aggregate classification (germline): Benign. Review status: criteria provided, multiple submitters, no conflicts (2 of 4 stars). 3 submissions from 3 submitters: Benign (2). 1 of the submissions does not count toward it. Last evaluated 2026-02-03.

Conditions:
Mosaic variegated aneuploidy syndrome 2 (MVA2). Identifiers: Orphanet 1052, MedGen C3279843, MONDO:0013582, OMIM 614114.
CEP57-related disorder. Also called: CEP57-related condition.

Allele frequency attached by ClinVar (database versions not stated): 1000 Genomes Project 0.01597; 1000 Genomes Project 30x 0.01624; TOPMed 0.02722; gnomAD 0.02887 and 0.02940; ESP Exome Variant Server 0.03000; gnomAD exomes 0.03240 and 0.03312; ExAC 0.03536.
gnomAD v4.1: 52,899 of 1,610,584 alleles (3.3%); highest among the groups gnomAD compares: Middle Eastern, 7.2%; 1,024 homozygotes.

Submissions (3):

Labcorp Genetics (formerly Invitae), Labcorp
Classification: Benign for Mosaic variegated aneuploidy syndrome 2. Last evaluated: 2026-02-03. Review status: criteria provided, single submitter. Criteria: Invitae Variant Classification Sherloc (09022015). Collection method: clinical testing. Allele origin: germline.

Breakthrough Genomics
Classification: Benign. Review status: criteria provided, single submitter. Criteria: ACMG Guidelines, 2015. Collection method: not provided. Allele origin: germline. Inheritance: Autosomal recessive inheritance. Affected: yes.

PreventionGenetics, part of Exact Sciences
Classification: Benign for CEP57-related condition. Last evaluated: 2024-03-06. Review status: no assertion criteria provided. Collection method: clinical testing. Allele origin: germline. Not counted in ClinVar's aggregate classification.
Comment: This variant is classified as benign based on ACMG/AMP sequence variant interpretation guidelines (Richards et al. 2015 PMID: 25741868, with internal and published modifications).

NM_014679.5(CEP57):c.798A>G (p.Pro266=)

Gene: CEP57 (centrosomal protein 57; plus strand). Cytogenetic location: 11q21.
Variant type: single nucleotide variant.
Coding change: c.798A>G on transcript NM_014679.5 (MANE Select); coding-DNA position 798, A replaced by G.
Protein change: p.Pro266=; no amino-acid change (proline 266 retained).
Molecular consequence: synonymous variant.
Genome position (GRCh38, 1-based): chr11:95,821,969, A>G. VCF-style: chr11-95821969-A-G. GRCh37 (hg19) VCF-style: chr11-95555133-A-G.
Other names: c.771A>G, p.Pro257= (NM_001243776.2); c.798A>G, p.Pro266= (NM_001243777.2); c.717A>G, p.Pro239= (NM_001363604.2).
Identifiers: ClinVar variation 414983 (VCV000414983.13), dbSNP rs61903295, ClinGen allele CA6239596.